The following is an entry in ClinVar:

NM_000038.6(APC):c.5500G>C (p.Val1834Leu)

Gene: APC (APC regulator of Wnt signaling pathway; plus strand). Cytogenetic location: 5q22.2.
Variant type: single nucleotide variant.
Coding change: c.5500G>C on transcript NM_000038.6 (MANE Select); coding-DNA position 5500, G replaced by C.
Protein change: p.Val1834Leu; replaces valine 1834 with leucine.
Molecular consequence: missense variant.
Genome position (GRCh38, 1-based): chr5:112,841,094, G>C. VCF-style: chr5-112841094-G-C. GRCh37 (hg19) VCF-style: chr5-112176791-G-C.
Other names: c.5500G>C, p.Val1834Leu (NM_001127510.3, NM_001354895.2, NM_001407450.1); c.5446G>C, p.Val1816Leu (NM_001127511.3); c.5554G>C, p.Val1852Leu (NM_001354896.2, NM_001407447.1, NM_001407448.1 and 1 more transcripts); c.5530G>C, p.Val1844Leu (NM_001354897.2); c.5425G>C, p.Val1809Leu (NM_001354898.2); c.5416G>C, p.Val1806Leu (NM_001354899.2); c.5377G>C, p.Val1793Leu (NM_001354900.2); c.5323G>C, p.Val1775Leu (NM_001354901.2, NM_001407453.1); and 12 more; short protein forms V1674L, V1705L, V1751L, V1809L, V1827L, V1852L, V1551L, V1733L.
Identifiers: ClinVar variation 1995345 (VCV001995345.5), dbSNP rs555944438, ClinGen allele CA16033366.
Genomic context (GRCh38, chr5:112,841,094, plus strand): 5'-CAGAATTTGAAAAATAATTCCAAGGTCTTCAATGATAAGCTCCCAAATAATGAAGATAGA[G>C]TCAGAGGAAGTTTTGCTTTTGATTCACCTCATCATTACACGCCTATTGAAGGAACTCCTT-3'
Protein context (NP_000029.2, residues 1824-1844): NDKLPNNEDR[Val1834Leu]RGSFAFDSPH

ClinVar aggregate classification (germline): Uncertain significance. Review status: criteria provided, multiple submitters, no conflicts (2 of 4 stars). 2 submissions from 2 submitters: Uncertain significance (2). Last evaluated 2024-11-15.

Conditions:
Hereditary cancer-predisposing syndrome. Also called: Neoplastic Syndromes, Hereditary; Hereditary neoplastic syndrome; Tumor predisposition; Hereditary Cancer Syndrome. Identifiers: Orphanet 140162, MedGen C0027672, MeSH D009386, MONDO:0015356.
Familial adenomatous polyposis 1 (FAP1). Also called: FAMILIAL ADENOMATOUS POLYPOSIS 1, ATTENUATED; POLYPOSIS, ADENOMATOUS INTESTINAL. Identifiers: MedGen C2713442, MONDO:0021056, OMIM 175100. Disease mechanism: loss of function.

gnomAD v4.1: 2 of 1,612,796 alleles (0.00012%); highest among the groups gnomAD compares: South Asian, 0.0022%; 1 homozygote.

Submissions (2):

Ambry Genetics
Classification: Uncertain significance for Hereditary cancer-predisposing syndrome. Last evaluated: 2024-11-15. Review status: criteria provided, single submitter. Criteria: Ambry Variant Classification Scheme 2023. Collection method: clinical testing. Allele origin: germline.
Comment: The p.V1834L variant (also known as c.5500G>C), located in coding exon 15 of the APC gene, results from a G to C substitution at nucleotide position 5500. The valine at codon 1834 is replaced by leucine, an amino acid with highly similar properties. This amino acid position is conserved. In addition, in silico predictors for this gene do not accurately predict pathogenicity. Based on the available evidence, the clinical significance of this variant remains unclear.

Labcorp Genetics (formerly Invitae), Labcorp
Classification: Uncertain significance for Familial adenomatous polyposis 1. Last evaluated: 2024-09-16. Review status: criteria provided, single submitter. Criteria: Invitae Variant Classification Sherloc (09022015). Collection method: clinical testing. Allele origin: germline.
Comment: This sequence change replaces valine, which is neutral and non-polar, with leucine, which is neutral and non-polar, at codon 1834 of the APC protein (p.Val1834Leu). This variant is not present in population databases (gnomAD no frequency). This variant has not been reported in the literature in individuals affected with APC-related conditions. ClinVar contains an entry for this variant (Variation ID: 1995345). Invitae Evidence Modeling of protein sequence and biophysical properties (such as structural, functional, and spatial information, amino acid conservation, physicochemical variation, residue mobility, and thermodynamic stability) indicates that this missense variant is not expected to disrupt APC protein function with a negative predictive value of 95%. In summary, the available evidence is currently insufficient to determine the role of this variant in disease. Therefore, it has been classified as a Variant of Uncertain Significance.